The following is an entry in ClinVar:

NM_001388492.1(HTT):c.6718C>T (p.His2240Tyr)

Gene: HTT (huntingtin; plus strand). Cytogenetic location: 4p16.3.
Variant type: single nucleotide variant.
Coding change: c.6718C>T on transcript NM_001388492.1 (MANE Select); coding-DNA position 6718, C replaced by T.
Protein change: p.His2240Tyr; replaces histidine 2240 with tyrosine.
Molecular consequence: missense variant.
Genome position (GRCh38, 1-based): chr4:3,212,653, C>T. VCF-style: chr4-3212653-C-T. GRCh37 (hg19) VCF-style: chr4-3214380-C-T.
Other names: c.6724C>T, p.His2242Tyr (NM_002111.8); short protein forms H2240Y, H2242Y.
Identifiers: ClinVar variation 1469164 (VCV001469164.6), dbSNP rs763976827, ClinGen allele CA2825126.

ClinVar aggregate classification (germline): Uncertain significance (1 of 4 stars; one submission).

Allele frequency attached by ClinVar (database versions not stated): gnomAD exomes below 0.00001 and 0.00001; ExAC 0.00001.
gnomAD v4.1: 5 of 1,614,238 alleles (0.00031%); highest among the groups gnomAD compares: Admixed American, 0.0017%; no homozygotes.

Submission:

Labcorp Genetics (formerly Invitae), Labcorp
Classification: Uncertain significance. Last evaluated: 2021-02-18. Review status: criteria provided, single submitter. Criteria: Invitae Variant Classification Sherloc (09022015). Collection method: clinical testing. Allele origin: germline.
Comment: This variant has not been reported in the literature in individuals with HTT-related conditions. In summary, the available evidence is currently insufficient to determine the role of this variant in disease. Therefore, it has been classified as a Variant of Uncertain Significance. Experimental studies and prediction algorithms are not available or were not evaluated, and the functional significance of this variant is currently unknown. This variant is present in population databases (rs763976827, ExAC 0.009%). This sequence change replaces histidine with tyrosine at codon 2242 of the HTT protein (p.His2242Tyr). The histidine residue is moderately conserved and there is a moderate physicochemical difference between histidine and tyrosine.